The following is an entry in ClinVar:

NC_000005.9:g.(?_80021262)_(80171681_?)del

Gene: MSH3 (mutS homolog 3; plus strand). Cytogenetic location: 5q14.1.
Variant type: Deletion.
Identifiers: ClinVar variation 1061034 (VCV001061034.5).

ClinVar aggregate classification (germline): Uncertain significance (1 of 4 stars; one submission).

Submission:

Labcorp Genetics (formerly Invitae), Labcorp
Classification: Uncertain significance. Last evaluated: 2021-08-26. Review status: criteria provided, single submitter. Criteria: Invitae Variant Classification Sherloc (09022015). Collection method: clinical testing. Allele origin: germline.
Comment: In summary, the available evidence is currently insufficient to determine the role of this variant in disease. Therefore, it has been classified as a Variant of Uncertain Significance. Experimental studies and prediction algorithms are not available or were not evaluated, and the functional significance of this variant is currently unknown. This variant has not been reported in the literature in individuals with MSH3-related conditions. This variant is a gross deletion of the genomic region encompassing exons 9-24 of the MSH3 gene. The 5' boundary is likely confined to intron 8. The 3' end of this event is unknown as it extends through the termination codon beyond the assayed region for this gene and may encompass additional genes. While this deletion is not anticipated to result in nonsense mediated decay, it is expected to create a truncated protein product or disrupt mRNA translation.